The following is an entry in ClinVar:

NM_078629.4(MSL3):c.909-1G>A

Gene: MSL3 (MSL complex subunit 3; plus strand). Cytogenetic location: Xp22.2.
Variant type: single nucleotide variant.
Coding change: c.909-1G>A on transcript NM_078629.4 (MANE Select); the canonical splice acceptor site of the intron before coding-DNA position 909, G replaced by A.
Molecular consequence: splice acceptor variant.
Genome position (GRCh38, 1-based): chrX:11,765,466, G>A. VCF-style: chrX-11765466-G-A. GRCh37 (hg19) VCF-style: chrX-11783585-G-A.
Other names: c.462-1G>A (NM_001282174.1); c.909-1G>A (NM_078628.2); c.873-1G>A (NM_001193270.2); c.411-1G>A (NM_006800.4).
Identifiers: ClinVar variation 3398995 (VCV003398995.1).
Genomic context (GRCh38, chrX:11,765,466, plus strand): 5'-AAGCACTCCATGTTCTGGAAAGGCCCTTTGAGCCATGTGTGACATCCTCCATCTTCCCTA[G>A]GAGCCAGGAGGAACTCTCTCCCAGTCCGCCTTTGTTGAATCCATCCACGCCACAGTCCAC-3'

ClinVar aggregate classification (germline): Pathogenic (1 of 4 stars; one submission).

Conditions:
Inborn genetic diseases. Identifiers: MedGen C0950123, MeSH D030342.

Submission:

Ambry Genetics
Classification: Pathogenic for Inborn genetic diseases. Last evaluated: 2024-11-01. Review status: criteria provided, single submitter. Criteria: Ambry Variant Classification Scheme 2023. Collection method: clinical testing. Allele origin: germline.
Comment: The c.909-1G>A intronic variant results from a G to A substitution one nucleotide before coding exon 9 of the MSL3 gene. Alterations that disrupt the canonical splice site are expected to cause aberrant splicing, resulting in an abnormal protein or a transcript that is subject to nonsense-mediated mRNA decay. This variant was not reported in population-based cohorts in the Genome Aggregation Database (gnomAD). This nucleotide position is highly conserved in available vertebrate species. In silico splice site analysis predicts that this alteration will weaken the native splice acceptor site and will result in the creation or strengthening of a novel splice acceptor site. Based on the available evidence, this alteration is classified as pathogenic.